The following is an entry in ClinVar:

NM_153006.3(NAGS):c.724G>T (p.Glu242Ter)

Gene: NAGS (N-acetylglutamate synthase; plus strand). Cytogenetic location: 17q21.31.
Variant type: single nucleotide variant.
Coding change: c.724G>T on transcript NM_153006.3 (MANE Select); coding-DNA position 724, G replaced by T.
Protein change: p.Glu242Ter; replaces glutamic acid 242 with a stop codon.
Molecular consequence: nonsense.
Genome position (GRCh38, 1-based): chr17:44,006,046, G>T. VCF-style: chr17-44006046-G-T. GRCh37 (hg19) VCF-style: chr17-42083414-G-T.
Other names: short protein forms E242*.
Identifiers: ClinVar variation 1453310 (VCV001453310.6), dbSNP rs2143984711, ClinGen allele CA399725349.
Genomic context (GRCh38, chr17:44,006,046, plus strand): 5'-TGGAGGGGGCCCTCTCGAGCACCACGTCTGGCCCACAGCTACGGCGGCATCGTCTCGGTG[G>T]AGACAGACCTGCTGCAGTGGTGCCTGGAGTCGGGCAGCATCCCCATCCTGTGCCCCATCG-3'

ClinVar aggregate classification (germline): Pathogenic (1 of 4 stars; one submission).

Conditions:
Hyperammonemia, type III (NAGSD). Also called: Hyperammonemia due to N-acetylglutamate synthase deficiency. Identifiers: Orphanet 927, MedGen C0268543, MONDO:0009377, OMIM 237310.

Submission:

Labcorp Genetics (formerly Invitae), Labcorp
Classification: Pathogenic for Hyperammonemia, type III. Last evaluated: 2021-05-21. Review status: criteria provided, single submitter. Criteria: Invitae Variant Classification Sherloc (09022015). Collection method: clinical testing. Allele origin: germline.
Comment: For these reasons, this variant has been classified as Pathogenic. This variant has not been reported in the literature in individuals with NAGS-related conditions. This variant is not present in population databases (ExAC no frequency). This sequence change creates a premature translational stop signal (p.Glu242*) in the NAGS gene. It is expected to result in an absent or disrupted protein product. Loss-of-function variants in NAGS are known to be pathogenic (PMID: 12594532).

Literature cited by the submitters: PubMed 12594532.